The following is an entry in ClinVar:

NM_000574.5(CD55):c.364G>A (p.Gly122Ser)

Gene: CD55 (CD55 molecule (Cromer blood group); plus strand). Cytogenetic location: 1q32.2.
Variant type: single nucleotide variant.
Coding change: c.364G>A on transcript NM_000574.5 (MANE Select); coding-DNA position 364, G replaced by A.
Protein change: p.Gly122Ser; replaces glycine 122 with serine.
Molecular consequence: missense variant. On other transcripts: non-coding transcript variant (1).
Genome position (GRCh38, 1-based): chr1:207,324,636, G>A. VCF-style: chr1-207324636-G-A. GRCh37 (hg19) VCF-style: chr1-207497981-G-A.
Other names: c.364G>A, p.Gly122Ser (NM_001300904.2, NM_001114752.3, NM_001300902.2 and 1 more transcripts); short protein forms G122S.
Identifiers: ClinVar variation 1492305 (VCV001492305.16), dbSNP rs745869609, ClinGen allele CA1367970.
Genomic context (GRCh38, chr1:207,324,636, plus strand): 5'-ACAAGGCTAAATTCTGCATCCCTCAAACAGCCTTATATCACTCAGAATTATTTTCCAGTC[G>A]GTACTGTTGTGGAATATGAGTGCCGTCCAGGTTACAGAAGAGAACCTTCTCTATCACCAA-3'
Protein context (NP_000565.1, residues 112-132): PYITQNYFPV[Gly122Ser]TVVEYECRPG

ClinVar aggregate classification (germline): Uncertain significance. Review status: criteria provided, multiple submitters, no conflicts (2 of 4 stars). 2 submissions from 2 submitters: Uncertain significance (2). Last evaluated 2025-02-01.

Allele frequency attached by ClinVar (database versions not stated): gnomAD 0.00002; gnomAD exomes 0.00002 and 0.00003; TOPMed 0.00002; ExAC 0.00004.
gnomAD v4.1: 43 of 1,611,568 alleles (0.0027%); highest among the groups gnomAD compares: South Asian, 0.013%; no homozygotes.

Submissions (2):

CeGaT Center for Human Genetics Tuebingen
Classification: Uncertain significance. Last evaluated: 2025-02-01. Review status: criteria provided, single submitter. Criteria: CeGaT Center For Human Genetics Tuebingen Variant Classification Criteria Version 2. Collection method: clinical testing. Allele origin: germline. Affected: yes. Observed: 1 variant allele.
Comment: CD55: PM2

Labcorp Genetics (formerly Invitae), Labcorp
Classification: Uncertain significance. Last evaluated: 2022-08-23. Review status: criteria provided, single submitter. Criteria: Invitae Variant Classification Sherloc (09022015). Collection method: clinical testing. Allele origin: germline.
Comment: This sequence change replaces glycine, which is neutral and non-polar, with serine, which is neutral and polar, at codon 122 of the CD55 protein (p.Gly122Ser). This variant is present in population databases (rs745869609, gnomAD 0.01%). This variant has not been reported in the literature in individuals affected with CD55-related conditions. ClinVar contains an entry for this variant (Variation ID: 1492305). Algorithms developed to predict the effect of missense changes on protein structure and function (SIFT, PolyPhen-2, Align-GVGD) all suggest that this variant is likely to be disruptive. In summary, the available evidence is currently insufficient to determine the role of this variant in disease. Therefore, it has been classified as a Variant of Uncertain Significance.